The following is an entry in ClinVar:

ClinVar aggregate classification (germline): Pathogenic/Likely pathogenic. Review status: criteria provided, multiple submitters, no conflicts (2 of 4 stars). 14 submissions from 14 submitters: Pathogenic (11); Likely pathogenic (2). 1 of the submissions does not count toward it. Last evaluated 2026-09-07.

Conditions:
SLC12A3-related disorder. Also called: SLC12A3-related condition.
Congenital portosystemic shunt. Identifiers: Orphanet 480531, MedGen C1290495, MONDO:0018811.
Renal tubulopathies.
Familial hypokalemia-hypomagnesemia (GTLMNS). Also called: HYPOMAGNESEMIA-HYPOKALEMIA, PRIMARY RENOTUBULAR, WITH HYPOCALCIURIA; POTASSIUM AND MAGNESIUM DEPLETION; gitelman syndrome. Identifiers: Orphanet 358, MedGen C0268450, MONDO:0009904, OMIM 263800.

Allele frequency attached by ClinVar (database versions not stated): gnomAD 0.00002; TOPMed 0.00002; gnomAD exomes 0.00001 and 0.00002; ExAC 0.00002.

Submissions (14):

Genetics Laboratory, Great Ormond Street Hospital NHS Foundation Trust, North Thames Genomic Laboratory Hub
Classification: Likely pathogenic for Renal tubulopathies. Last evaluated: 2026-09-07. Review status: criteria provided, single submitter. Criteria: ACGS Best Practice Guidelines for Variant Classification in Rare Disease 2024 v1.2. Collection method: clinical testing. Allele origin: germline. Affected: yes.
Comment: PM2_moderate, PS3_supporting, PM3_strong

Natera, Inc.
Classification: Pathogenic for Gitelman syndrome. Last evaluated: 2025-12-30. Review status: criteria provided, single submitter. Criteria: Natera Variant Classification Schema (03/2026). Collection method: clinical testing. Allele origin: germline.
Comment: The c.1195C>T variant in SLC12A3 is a missense variant predicted to cause substitution of arginine to cysteine at amino acid 399. This variant is rare in the general population with a frequency below the threshold expected for the associated phenotype(s). This variant has been observed in one or more individuals affected with the associated recessive disease, as either homozygous or compound heterozygous with a second variant (PMID: 25165177, 17414160, 33382082). Computational prediction algorithms indicate this variant is likely to affect gene or protein function. Given the available evidence, this variant is classified as Pathogenic.

PreventionGenetics, part of Exact Sciences
Classification: Pathogenic for SLC12A3-related condition. Last evaluated: 2025-12-12. Review status: criteria provided, single submitter. Criteria: ACMG Guidelines, 2015. Collection method: clinical testing. Allele origin: germline.
Comment: The SLC12A3 c.1195C>T variant is predicted to result in the amino acid substitution p.Arg399Cys. This variant has been reported in multiple individuals with Gitelman syndrome in the compound heterozygous or homozygous states (see for example, Cruz et al. 2001. PubMed ID: 11168953; Berry et al. 2013. PubMed ID: 23328711; Zeng et al. 2019. PubMed ID: 31398183). In vivo experimental studies suggest this variant impacts protein function (Riveira-Munoz et al. 2007. PubMed ID: 17329572). A different substitution impacting the same amino acid (p.Arg399Pro) has also been reported in patients with Gitelman syndrome (Xia et al. 2017. PubMed ID: 28469853; Zeng et al. 2019. PubMed ID: 31398183). This variant is reported in 0.0033% of alleles in individuals of South Asian descent in gnomAD. This variant is interpreted as pathogenic.

Labcorp Genetics (formerly Invitae), Labcorp
Classification: Pathogenic. Last evaluated: 2025-09-09. Review status: criteria provided, single submitter. Criteria: Invitae Variant Classification Sherloc (09022015). Collection method: clinical testing. Allele origin: germline.
Comment: This sequence change replaces arginine, which is basic and polar, with cysteine, which is neutral and slightly polar, at codon 399 of the SLC12A3 protein (p.Arg399Cys). This variant is present in population databases (rs775931992, gnomAD 0.003%). This missense change has been observed in individuals with Gitleman syndrome (PMID: 11168953, 17414160, 18391953, 25165177, 26121437). ClinVar contains an entry for this variant (Variation ID: 448391). Invitae Evidence Modeling of protein sequence and biophysical properties (such as structural, functional, and spatial information, amino acid conservation, physicochemical variation, residue mobility, and thermodynamic stability) indicates that this missense variant is expected to disrupt SLC12A3 protein function with a positive predictive value of 95%. This variant disrupts the p.Arg399 amino acid residue in SLC12A3. Other variant(s) that disrupt this residue have been observed in individuals with SLC12A3-related conditions (PMID: 18391953, 23328711, 28469853), which suggests that this may be a clinically significant amino acid residue. For these reasons, this variant has been classified as Pathogenic.

3billion
Classification: Pathogenic for Familial hypokalemia-hypomagnesemia. Last evaluated: 2025-07-07. Review status: criteria provided, single submitter. Criteria: ACMG Guidelines, 2015. Collection method: clinical testing. Allele origin: germline. Affected: yes.
Comment: The variant is observed at an extremely low frequency in the gnomAD v4.1.0 dataset (total allele frequency: 0.002%). Predicted Consequence/Location: Missense variant Functional studies provide strong evidence of the variant having a damaging effect on the gene or gene product (PMID: 11168953). In silico tool predictions suggest damaging effect of the variant on gene or gene product [REVEL: 0.68 (>=0.6, sensitivity 0.68 and specificity 0.92); 3Cnet: 1.00 (> 0.75, sensitivity 0.96 and precision 0.92)]. The same nucleotide change resulting in the same amino acid change has been previously reported as pathogenic/likely pathogenic with strong evidence (ClinVar ID: VCV000448391 /PMID: 11168953). Different missense changes at the same codon (p.Arg399Gly, p.Arg399His, p.Arg399Leu, p.Arg399Pro) have been reported as pathogenic/likely pathogenic with strong evidence (ClinVar ID: VCV000381528, VCV001489260, VCV002137822, VCV002826924 /PMID: 21415153). Therefore, this variant is classified as Pathogenic according to the recommendation of ACMG/AMP guideline.

Women's Health and Genetics/Laboratory Corporation of America, LabCorp
Classification: Pathogenic for Familial hypokalemia-hypomagnesemia. Last evaluated: 2024-06-20. Review status: criteria provided, single submitter. Criteria: LabCorp Variant Classification Summary - May 2015. Collection method: clinical testing. Allele origin: germline.
Comment: Variant summary: SLC12A3 c.1195C>T (p.Arg399Cys) results in a non-conservative amino acid change in the encoded protein sequence. Five of five in-silico tools predict a damaging effect of the variant on protein function. The variant allele was found at a frequency of 1.2e-05 in 247056 control chromosomes (gnomAD). c.1195C>T has been reported in the literature in multiple individuals affected with Familial Hypokalemia-Hypomagnesemia (e.g. Demoulin_2014, Ashton_2018). These data indicate that the variant is very likely to be associated with disease. The following publications have been ascertained in the context of this evaluation (PMID: 25165177, 29398133). ClinVar contains an entry for this variant (Variation ID: 448391). Based on the evidence outlined above, the variant was classified as pathogenic.

European Hospital Georges Pompidou Genetics Department, Assistance Publique - Hôpitaux de Paris AP-HP
Classification: Pathogenic for Familial hypokalemia-hypomagnesemia. Last evaluated: 2022-04-27. Review status: criteria provided, single submitter. Criteria: ACMG Guidelines, 2015. Collection method: clinical testing. Allele origin: germline. Affected: yes.
Comment: ACMG criteria used:PS1 PS4 PM1 PM2 PP3 PP4 PP5

Fulgent Genetics
Classification: Pathogenic for Familial hypokalemia-hypomagnesemia. Last evaluated: 2021-12-22. Review status: criteria provided, single submitter. Criteria: ACMG Guidelines, 2015. Collection method: clinical testing. Allele origin: unknown.

Revvity Omics, Revvity
Classification: Pathogenic for Familial hypokalemia-hypomagnesemia. Last evaluated: 2021-10-22. Review status: criteria provided, single submitter. Criteria: ACMG Guidelines, 2015. Collection method: clinical testing. Allele origin: germline.

Genome-Nilou Lab
Classification: Pathogenic for Familial hypokalemia-hypomagnesemia. Last evaluated: 2021-07-15. Review status: criteria provided, single submitter. Criteria: ACMG Guidelines, 2015. Collection method: clinical testing. Allele origin: germline. Affected: no.

Athena Diagnostics
Classification: Pathogenic. Last evaluated: 2015-04-10. Review status: criteria provided, single submitter. Criteria: Athena Diagnostics Criteria. Collection method: clinical testing. Allele origin: germline.

Kasturba Medical College, Manipal, Kasturba Medical College, Manipal, Manipal Academy of Higher Education, Manipal, India
Classification: Likely pathogenic for Familial hypokalemia-hypomagnesemia. Review status: criteria provided, single submitter. Criteria: ACMG Guidelines, 2015. Collection method: research. Allele origin: biparental. Inheritance: Autosomal recessive inheritance. Affected: yes. Observed: 1 homozygote.
Comment: This variant is present in heterozygous state in 32 individuals (allele frequency: 0.00001986) in the gnomAD (v4.1.0) population database and absent in our in-house data of 3596 exomes. In-silico analysis tools (REVEL, CADD and FATHMM) predict the variant to be disease-causing and likely to affect the SLC12A3 protein function.

Neuberg Centre For Genomic Medicine, NCGM
Classification: Pathogenic for Familial hypokalemia-hypomagnesemia. Review status: criteria provided, single submitter. Criteria: ACMG Guidelines, 2015. Collection method: clinical testing. Allele origin: germline. Inheritance: Autosomal recessive inheritance. Affected: yes.
Comment: The missense variant c.1195C>T, p.Arg399Cy in the SLC12A3 gene has previously been reported in homozygous and compound heterozygous state in individuals affected with Gitelman syndrome (Cruz DN et al., Kaito H et al.). This variant disrupts the p.Arg399 amino acid residue in SLC12A3. Other variant(s) that disrupt this residue have been observed in individuals with SLC12A3-related conditions (Berry MR et. al., Kaito H et al). The p.Arg399Cys variant is novel (not in any individuals) in 1000 Genomes and has frequency of 0.0012% in gnomAD database. This variant has been reported to the ClinVar database as Pathogenic. The variant is predicted to be damaging by both SIFT and PolyPhen2. The residue is conserved across species. The amino acid change p.Arg399Cys in SLC12A3 is predicted as conserved by GERP++ and PhyloP across 100 vertebrates. The p.Arg399Cys variant is novel (not in any individuals) in 1000 Genomes. For these reasons, this variant has been classified as Pathogenic.

Department of Pediatrics, Graduate School of Medical Sciences, Kyushu University
Classification: Uncertain significance for Congenital portosystemic shunt. Last evaluated: 2026-02-27. Review status: flagged submission. Criteria: ACMG Guidelines, 2015. Collection method: research. Allele origin: germline. Affected: yes. Not counted in ClinVar's aggregate classification.
Comment: The variant is absent or extremely rare in population databases including gnomAD. In silico prediction tools, including CADD, suggest a deleterious effect on the protein. However, the association between this gene and CPSS has not been established. Therefore, the clinical significance of this variant is currently classified as a variant of uncertain significance (VUS).
ClinVar note: Reason: Outlier claim with insufficient supporting evidence

Literature cited by the submitters: PubMed 25165177 (cited by 3 submitters); PubMed 17414160 (cited by 4 submitters); PubMed 33382082 (cited by Natera, Inc.); PubMed 11168953 (cited by 3 submitters); PubMed 18391953 (cited by Labcorp Genetics (formerly Invitae), Labcorp); PubMed 26121437 (cited by Labcorp Genetics (formerly Invitae), Labcorp); PubMed 23328711 (cited by Labcorp Genetics (formerly Invitae), Labcorp and Athena Diagnostics); PubMed 28469853 (cited by Labcorp Genetics (formerly Invitae), Labcorp); PubMed 21415153 (cited by 3billion and Athena Diagnostics); PubMed 29398133 (cited by Women's Health and Genetics/Laboratory Corporation of America, LabCorp); PubMed 17329572 (cited by Athena Diagnostics).

NM_001126108.2(SLC12A3):c.1195C>T (p.Arg399Cys)

Gene: SLC12A3 (solute carrier family 12 member 3; plus strand). Cytogenetic location: 16q13.
Variant type: single nucleotide variant.
Coding change: c.1195C>T on transcript NM_001126108.2 (MANE Select); coding-DNA position 1195, C replaced by T.
Protein change: p.Arg399Cys; replaces arginine 399 with cysteine.
Molecular consequence: missense variant.
Genome position (GRCh38, 1-based): chr16:56,879,087, C>T. VCF-style: chr16-56879087-C-T. GRCh37 (hg19) VCF-style: chr16-56912999-C-T.
Other names: c.1195C>T, p.Arg399Cys (NM_000339.3); c.1192C>T, p.Arg398Cys (NM_001126107.2); short protein forms R399C, R398C.
Identifiers: ClinVar variation 448391 (VCV000448391.30), dbSNP rs775931992, ClinGen allele CA8069396.